The following is an entry in ClinVar:

ClinVar aggregate classification (germline): Uncertain significance (1 of 4 stars; one submission).

Conditions:
Anterior segment dysgenesis. Also called: Ocular anterior segment dysgenesis. Identifiers: Orphanet 88632, MedGen C1862839, MONDO:0019503, HP:0007700.
Congenital primary aphakia. Also called: Anterior segment dysgenesis 2, multiple subtypes; ANTERIOR SEGMENT DYSGENESIS 2. Identifiers: Orphanet 83461, MedGen C1853230, MONDO:0012456, OMIM 610256.

Allele frequency attached by ClinVar (database versions not stated): TOPMed below 0.00001.

Submission:

Labcorp Genetics (formerly Invitae), Labcorp
Classification: Uncertain significance for Anterior segment dysgenesis; Congenital primary aphakia. Last evaluated: 2023-08-04. Review status: criteria provided, single submitter. Criteria: Invitae Variant Classification Sherloc (09022015). Collection method: clinical testing. Allele origin: germline.
Comment: This variant has not been reported in the literature in individuals affected with FOXE3-related conditions. In summary, the available evidence is currently insufficient to determine the role of this variant in disease. Therefore, it has been classified as a Variant of Uncertain Significance. Advanced modeling of protein sequence and biophysical properties (such as structural, functional, and spatial information, amino acid conservation, physicochemical variation, residue mobility, and thermodynamic stability) performed at Invitae indicates that this missense variant is expected to disrupt FOXE3 protein function. This variant is not present in population databases (gnomAD no frequency). This sequence change replaces arginine, which is basic and polar, with cysteine, which is neutral and slightly polar, at codon 166 of the FOXE3 protein (p.Arg166Cys).

NM_012186.3(FOXE3):c.496C>T (p.Arg166Cys)

Genes: FOXE3 (forkhead box E3; plus strand), LINC01389 (long independently transcribed non-coding RNA 1389; minus strand). Cytogenetic location: 1p33.
Variant type: single nucleotide variant.
Coding change: c.496C>T on transcript NM_012186.3 (MANE Select); coding-DNA position 496, C replaced by T.
Protein change: p.Arg166Cys; replaces arginine 166 with cysteine.
Molecular consequence: missense variant.
Genome position (GRCh38, 1-based): chr1:47,416,811, C>T. VCF-style: chr1-47416811-C-T. GRCh37 (hg19) VCF-style: chr1-47882483-C-T.
Other names: short protein forms R166C.
Identifiers: ClinVar variation 2950648 (VCV002950648.3), dbSNP rs777792086, ClinGen allele CA340250112.